The following is an entry in ClinVar:

NM_017763.6(RNF43):c.1328G>A (p.Ser443Asn)

Gene: RNF43 (ring finger protein 43; minus strand). Cytogenetic location: 17q22.
Variant type: single nucleotide variant.
Coding change: c.1328G>A on transcript NM_017763.6 (MANE Select); coding-DNA position 1328, G replaced by A.
Protein change: p.Ser443Asn; replaces serine 443 with asparagine.
Molecular consequence: missense variant.
Genome position (GRCh38, 1-based): chr17:58,358,448, C>T on the plus strand (G>A on the coding strand, the complement: RNF43 is on the minus strand). VCF-style: chr17-58358448-C-T. GRCh37 (hg19) VCF-style: chr17-56435809-C-T.
Other names: c.1328G>A, p.Ser443Asn (NM_001305544.3, NM_001438820.1, NM_001438821.1 and 1 more transcripts); c.947G>A, p.Ser316Asn (NM_001305545.2, NM_001437987.1); short protein forms S316N, S443N.
Identifiers: ClinVar variation 4844766 (VCV004844766.1).
Genomic context (GRCh38, chr17:58,358,448, plus strand): 5'-GCTGGCCCATCTGCCAGGTACCCACTGCGTTCTGTGCAATAGCTTTCTCCAGATCCACTG[C>T]TGTCAGGGGGCCTGGCCCGGCGTAGGGGCACTGGGCAAGCAGCAGGGTGCTGTGAGGTGG-3'
Protein context (NP_060233.3, residues 433-453): VPLRRARPPD[Ser443Asn]SGSGESYCTE

ClinVar aggregate classification (germline): Uncertain significance (1 of 4 stars; one submission).

Submission:

Ambry Genetics
Classification: Uncertain significance. Last evaluated: 2026-01-22. Review status: criteria provided, single submitter. Criteria: Ambry Variant Classification Scheme 2023. Collection method: clinical testing. Allele origin: germline.
Comment: The p.S443N variant (also known as c.1328G>A), located in coding exon 8 of the RNF43 gene, results from a G to A substitution at nucleotide position 1328. The serine at codon 443 is replaced by asparagine, an amino acid with highly similar properties. This amino acid position is conserved. In addition, this alteration is predicted to be tolerated by in silico analysis. Based on the available evidence, the clinical significance of this variant remains unclear.